The following is an entry in ClinVar:

NM_015338.6(ASXL1):c.2156A>G (p.Glu719Gly)

Gene: ASXL1 (ASXL transcriptional regulator 1; plus strand). Cytogenetic location: 20q11.21.
Variant type: single nucleotide variant.
Coding change: c.2156A>G on transcript NM_015338.6 (MANE Select); coding-DNA position 2156, A replaced by G.
Protein change: p.Glu719Gly; replaces glutamic acid 719 with glycine.
Molecular consequence: missense variant.
Genome position (GRCh38, 1-based): chr20:32,434,868, A>G. VCF-style: chr20-32434868-A-G. GRCh37 (hg19) VCF-style: chr20-31022671-A-G.
Other names: c.1973A>G, p.Glu658Gly (NM_001363734.1); short protein forms E719G, E658G.
Identifiers: ClinVar variation 5029744 (VCV005029744.1).

ClinVar aggregate classification (germline): Uncertain significance (1 of 4 stars; one submission).

Conditions:
Inborn genetic diseases. Identifiers: MedGen C0950123, MeSH D030342.

Submission:

Ambry Genetics
Classification: Uncertain significance for Inborn genetic diseases. Last evaluated: 2026-06-24. Review status: criteria provided, single submitter. Criteria: Ambry Variant Classification Scheme 2023. Collection method: clinical testing. Allele origin: germline.
Comment: The p.E719G variant (also known as c.2156A>G), located in coding exon 13 of the ASXL1 gene, results from an A to G substitution at nucleotide position 2156. The glutamic acid at codon 719 is replaced by glycine, an amino acid with similar properties. This amino acid position is conserved. In addition, this alteration is predicted to be tolerated by in silico analysis. Based on the available evidence, the clinical significance of this variant remains unclear.